The following is an entry in ClinVar:

NM_000359.3(TGM1):c.394G>A (p.Asp132Asn)

Gene: TGM1 (transglutaminase 1; minus strand). Cytogenetic location: 14q12.
Variant type: single nucleotide variant.
Coding change: c.394G>A on transcript NM_000359.3 (MANE Select); coding-DNA position 394, G replaced by A.
Protein change: p.Asp132Asn; replaces aspartic acid 132 with asparagine.
Molecular consequence: missense variant.
Genome position (GRCh38, 1-based): chr14:24,261,809, C>T on the plus strand (G>A on the coding strand, the complement: TGM1 is on the minus strand). VCF-style: chr14-24261809-C-T. GRCh37 (hg19) VCF-style: chr14-24731015-C-T.
Other names: short protein forms D132N.
Identifiers: ClinVar variation 785455 (VCV000785455.14), dbSNP rs2229462, ClinGen allele CA7131431.

ClinVar aggregate classification (germline): Likely benign. Review status: criteria provided, single submitter (1 of 4 stars). 3 submissions from 3 submitters: Likely benign (1). 2 of the submissions do not count toward it. Last evaluated 2026-01-25.

Conditions:
Autosomal recessive congenital ichthyosis 1 (LI1). Also called: COLLODION FETUS; DESQUAMATION OF NEWBORN; ICHTHYOSIS CONGENITA; ICHTHYOSIS CONGENITA II; LAMELLAR EXFOLIATION OF NEWBORN; ICHTHYOSIS, CONGENITAL, AUTOSOMAL RECESSIVE 1, WITH BATHING SUIT DISTRIBUTION. Identifiers: MedGen C4551630, MONDO:0009441, OMIM 242300.
TGM1-related disorder. Also called: TGM1-related condition.

Allele frequency attached by ClinVar (database versions not stated): gnomAD exomes 0.00024 and 0.00066; ExAC 0.00082; gnomAD 0.00222 and 0.00244; TOPMed 0.00258; 1000 Genomes Project 0.00300; 1000 Genomes Project 30x 0.00328; ESP Exome Variant Server 0.00354.

Submissions (3):

Labcorp Genetics (formerly Invitae), Labcorp
Classification: Likely benign. Last evaluated: 2026-01-25. Review status: criteria provided, single submitter. Criteria: Invitae Variant Classification Sherloc (09022015). Collection method: clinical testing. Allele origin: germline.

Natera, Inc.
Classification: Benign for Autosomal recessive congenital ichthyosis type 1. Last evaluated: 2019-11-13. Review status: no assertion criteria provided. Collection method: clinical testing. Allele origin: germline. Not counted in ClinVar's aggregate classification.

PreventionGenetics, part of Exact Sciences
Classification: Benign for TGM1-related condition. Last evaluated: 2019-08-01. Review status: no assertion criteria provided. Collection method: clinical testing. Allele origin: germline. Not counted in ClinVar's aggregate classification.
Comment: This variant is classified as benign based on ACMG/AMP sequence variant interpretation guidelines (Richards et al. 2015 PMID: 25741868, with internal and published modifications).